The following is an entry in ClinVar:

NM_022845.3(CBFB):c.247C>T (p.Arg83Ter)

Gene: CBFB (core-binding factor subunit beta; plus strand). Cytogenetic location: 16q22.1.
Variant type: single nucleotide variant.
Coding change: c.247C>T on transcript NM_022845.3 (MANE Select); coding-DNA position 247, C replaced by T.
Protein change: p.Arg83Ter; replaces arginine 83 with a stop codon.
Molecular consequence: nonsense. On other transcripts: intron variant (2).
Genome position (GRCh38, 1-based): chr16:67,036,720, C>T. VCF-style: chr16-67036720-C-T. GRCh37 (hg19) VCF-style: chr16-67070623-C-T.
Other names: c.247C>T, p.Arg83Ter (NM_001368708.1, NM_001368710.1, NM_001755.3); c.165+6907C>T (NM_001368709.1, NM_001368707.1); c.247C>T (NM_022845.2); short protein forms R83*.
Identifiers: ClinVar variation 1712245 (VCV001712245.4), dbSNP rs538809858, ClinGen allele CA396224805.

ClinVar aggregate classification (germline): Uncertain significance. Review status: criteria provided, single submitter (1 of 4 stars). 2 submissions from 2 submitters: Uncertain significance (1). 1 of the submissions does not count toward it. Last evaluated 2022-11-14.

Conditions:
Cleidocranial dysplasia 2 (CLCD2). Identifiers: MedGen C5774243, MONDO:0859307, OMIM 620099.

Submissions (2):

GeneDx
Classification: Uncertain significance. Last evaluated: 2022-11-14. Review status: criteria provided, single submitter. Criteria: GeneDx Variant Classification Process June 2021. Collection method: clinical testing. Allele origin: germline. Affected: yes.
Comment: Nonsense variant predicted to result in protein truncation or nonsense mediated decay in a gene for which loss-of-function is not a known mechanism of disease; Not observed at significant frequency in large population cohorts (gnomAD); This variant is associated with the following publications: (PMID: 36241386)

OMIM
Classification: Pathogenic for CLEIDOCRANIAL DYSPLASIA 2. Last evaluated: 2023-04-25. Review status: no assertion criteria provided. Collection method: literature only. Allele origin: germline. Not counted in ClinVar's aggregate classification.

Literature cited by the submitters: PubMed 36241386 (cited by OMIM).